The following is an entry in ClinVar:

NM_177400.3(NKX6-2):c.345C>T (p.Pro115=)

Gene: NKX6-2 (NK6 homeobox 2; minus strand). Cytogenetic location: 10q26.3.
Variant type: single nucleotide variant.
Coding change: c.345C>T on transcript NM_177400.3 (MANE Select); coding-DNA position 345, C replaced by T.
Protein change: p.Pro115=; no amino-acid change (proline 115 retained).
Molecular consequence: synonymous variant.
Genome position (GRCh38, 1-based): chr10:132,785,604, G>A on the plus strand (C>T on the coding strand, the complement: NKX6-2 is on the minus strand). VCF-style: chr10-132785604-G-A. GRCh37 (hg19) VCF-style: chr10-134599108-G-A.
Identifiers: ClinVar variation 1559469 (VCV001559469.16), dbSNP rs746473438, ClinGen allele CA216760305.

ClinVar aggregate classification (germline): Likely benign. Review status: criteria provided, multiple submitters, no conflicts (2 of 4 stars). 4 submissions from 4 submitters: Likely benign (4). Last evaluated 2025-10-01.

Allele frequency attached by ClinVar (database versions not stated): TOPMed 0.00015; 1000 Genomes Project 30x 0.00016; gnomAD 0.00018 and 0.00019; gnomAD exomes 0.00024.
gnomAD v4.1: 288 of 1,248,374 alleles (0.023%); highest among the groups gnomAD compares: Non-Finnish European, 0.025%; no homozygotes.

Submissions (4):

CeGaT Center for Human Genetics Tuebingen
Classification: Likely benign. Last evaluated: 2025-10-01. Review status: criteria provided, single submitter. Criteria: CeGaT Center For Human Genetics Tuebingen Variant Classification Criteria Version 2. Collection method: clinical testing. Allele origin: germline. Affected: yes. Observed: 1 variant allele.
Comment: NKX6-2: BP4, BP7

Labcorp Genetics (formerly Invitae), Labcorp
Classification: Likely benign. Last evaluated: 2025-07-10. Review status: criteria provided, single submitter. Criteria: Invitae Variant Classification Sherloc (09022015). Collection method: clinical testing. Allele origin: germline.

Blueprint Genetics
Classification: Likely benign. Last evaluated: 2024-10-07. Review status: criteria provided, single submitter. Criteria: ACMG Guidelines, 2015. Collection method: clinical testing. Allele origin: germline.

Breakthrough Genomics
Classification: Likely benign. Review status: criteria provided, single submitter. Criteria: ACMG Guidelines, 2015. Collection method: not provided. Allele origin: germline. Inheritance: Autosomal recessive inheritance. Affected: yes.